The following is an entry in ClinVar:

ClinVar aggregate classification (germline): Likely pathogenic (1 of 4 stars; one submission).

Submission:

Labcorp Genetics (formerly Invitae), Labcorp
Classification: Likely pathogenic. Last evaluated: 2022-05-01. Review status: criteria provided, single submitter. Criteria: Invitae Variant Classification Sherloc (09022015). Collection method: clinical testing. Allele origin: germline.
Comment: This variant is a gross deletion of the genomic region encompassing exon(s) 30 of the MYO7A gene. This variant would be expected to be in-frame, preserving the integrity of the reading frame. This variant has not been reported in the literature in individuals affected with MYO7A-related conditions. This variant disrupts the p.Gly1298 amino acid residue in MYO7A. Other variant(s) that disrupt this residue have been determined to be pathogenic (PMID: 29490346). This suggests that this residue is clinically significant, and that variants that disrupt this residue are likely to be disease-causing. In summary, the currently available evidence indicates that the variant is pathogenic, but additional data are needed to prove that conclusively. Therefore, this variant has been classified as Likely Pathogenic.

Literature cited by the submitters: PubMed 29490346.

NC_000011.9:g.(?_76901732)_(76901925_?)del

Gene: MYO7A (myosin VIIA; plus strand). Cytogenetic location: 11q13.5.
Variant type: Deletion.
Identifiers: ClinVar variation 1494412 (VCV001494412.6).